The following is an entry in ClinVar:

ClinVar aggregate classification (germline): Uncertain significance (1 of 4 stars; one submission).

Submission:

GeneDx
Classification: Uncertain significance. Last evaluated: 2025-06-12. Review status: criteria provided, single submitter. Criteria: GeneDx Variant Classification Process June 2021. Collection method: clinical testing. Allele origin: germline. Affected: yes.
Comment: Not observed at significant frequency in large population cohorts (gnomAD); In silico analysis supports a deleterious effect on splicing; Has not been previously published as pathogenic or benign to our knowledge

NM_031407.7(HUWE1):c.4096-4_4096-3del

Gene: HUWE1 (HECT, UBA and WWE domain containing E3 ubiquitin protein ligase 1; minus strand). Cytogenetic location: Xp11.22.
Variant type: Microsatellite.
Coding change: c.4096-4_4096-3del on transcript NM_031407.7 (MANE Select); 4 bases into the intron before coding-DNA position 4096 through 3 bases into the intron before coding-DNA position 4096, 2 bases deleted (CT; older notation c.4096-4_4096-3delCT).
Molecular consequence: intron variant.
Genome position (GRCh38, 1-based): chrX:53,590,502-53,590,503, AG deleted on the plus strand (CT on the coding strand, the reverse complement: HUWE1 is on the minus strand); deleting any 2 consecutive bases within chrX:53,590,502-53,590,505 gives the same sequence; the c. name uses the placement nearest the transcript's 3' end. VCF-style (leftmost placement, unchanged base first): chrX-53590501-TAG-T. GRCh37 (hg19) VCF-style: chrX-53617461-TAG-T.
Other names: c.4096-4_4096-3del (NM_001441048.1, NM_001441051.1, NM_001441049.1 and 6 more transcripts); c.4117-4_4117-3del (NM_001441050.1, NM_001441055.1).
Identifiers: ClinVar variation 4538752 (VCV004538752.1).